The following is an entry in ClinVar:

NM_004364.5(CEBPA):c.389G>A (p.Gly130Asp)

Gene: CEBPA (CCAAT enhancer binding protein alpha; minus strand). Cytogenetic location: 19q13.11.
Variant type: single nucleotide variant.
Coding change: c.389G>A on transcript NM_004364.5 (MANE Select); coding-DNA position 389, G replaced by A.
Protein change: p.Gly130Asp; replaces glycine 130 with aspartic acid.
Molecular consequence: missense variant.
Genome position (GRCh38, 1-based): chr19:33,302,026, C>T on the plus strand (G>A on the coding strand, the complement: CEBPA is on the minus strand). VCF-style: chr19-33302026-C-T. GRCh37 (hg19) VCF-style: chr19-33792932-C-T.
Other names: c.32G>A, p.Gly11Asp (NM_001285829.2); c.494G>A, p.Gly165Asp (NM_001287424.2); c.347G>A, p.Gly116Asp (NM_001287435.2); short protein forms G116D, G130D, G11D, G165D.
Identifiers: ClinVar variation 2163585 (VCV002163585.4), dbSNP rs1309134754, ClinGen allele CA405275058.

ClinVar aggregate classification (germline): Uncertain significance (1 of 4 stars; one submission).

Conditions:
Acute myeloid leukemia (AML). Also called: Acute myeloid leukemia, adult; AML adult; Acute non-lymphocytic leukemia; Acute granulocytic leukemia; Leukemia, acute myeloid, somatic; Leukemia, acute myelogenous, somatic. Identifiers: Orphanet 519, MedGen C0023467, MeSH D015470, MONDO:0018874, OMIM 601626, HP:0004808. Disease mechanism: Constitutively activated FLT3.

Submission:

Labcorp Genetics (formerly Invitae), Labcorp
Classification: Uncertain significance for Acute myeloid leukemia. Last evaluated: 2022-03-26. Review status: criteria provided, single submitter. Criteria: Invitae Variant Classification Sherloc (09022015). Collection method: clinical testing. Allele origin: germline.
Comment: In summary, the available evidence is currently insufficient to determine the role of this variant in disease. Therefore, it has been classified as a Variant of Uncertain Significance. Algorithms developed to predict the effect of missense changes on protein structure and function (SIFT, PolyPhen-2, Align-GVGD) all suggest that this variant is likely to be tolerated. This variant has not been reported in the literature in individuals affected with CEBPA-related conditions. The frequency data for this variant in the population databases is considered unreliable, as metrics indicate insufficient coverage at this position in the gnomAD database. This sequence change replaces glycine, which is neutral and non-polar, with aspartic acid, which is acidic and polar, at codon 130 of the CEBPA protein (p.Gly130Asp).